The following is an entry in ClinVar:

NM_001353694.2(TIAM1):c.2138A>G (p.Asn713Ser)

Gene: TIAM1 (TIAM Rac1 associated GEF 1; minus strand). Cytogenetic location: 21q22.11.
Variant type: single nucleotide variant.
Coding change: c.2138A>G on transcript NM_001353694.2 (MANE Select); coding-DNA position 2138, A replaced by G.
Protein change: p.Asn713Ser; replaces asparagine 713 with serine.
Molecular consequence: missense variant.
Genome position (GRCh38, 1-based): chr21:31,217,557, T>C on the plus strand (A>G on the coding strand, the complement: TIAM1 is on the minus strand). VCF-style: chr21-31217557-T-C. GRCh37 (hg19) VCF-style: chr21-32589873-T-C.
Other names: c.2138A>G, p.Asn713Ser (NM_001353686.2, NM_001353687.2, NM_001353688.1 and 6 more transcripts); short protein forms N713S.
Identifiers: ClinVar variation 3392919 (VCV003392919.1).

ClinVar aggregate classification (germline): Uncertain significance (1 of 4 stars; one submission).

gnomAD v4.1: 4 of 1,613,828 alleles (0.00025%); highest among the groups gnomAD compares: East Asian, 0.0022%; no homozygotes.

Submission:

GeneDx
Classification: Uncertain significance. Last evaluated: 2024-06-26. Review status: criteria provided, single submitter. Criteria: GeneDx Variant Classification Process June 2021. Collection method: clinical testing. Allele origin: germline. Affected: yes.
Comment: Not observed at significant frequency in large population cohorts (gnomAD); In silico analysis indicates that this missense variant does not alter protein structure/function; Has not been previously published as pathogenic or benign to our knowledge